The following is an entry in ClinVar:

NM_001384732.1(CPLANE1):c.461G>C (p.Ser154Thr)

Gene: CPLANE1 (ciliogenesis and planar polarity effector complex subunit 1; minus strand). Cytogenetic location: 5p13.2.
Variant type: single nucleotide variant.
Coding change: c.461G>C on transcript NM_001384732.1 (MANE Select); coding-DNA position 461, G replaced by C.
Protein change: p.Ser154Thr; replaces serine 154 with threonine.
Molecular consequence: missense variant.
Genome position (GRCh38, 1-based): chr5:37,244,484, C>G on the plus strand (G>C on the coding strand, the complement: CPLANE1 is on the minus strand). VCF-style: chr5-37244484-C-G. GRCh37 (hg19) VCF-style: chr5-37244586-C-G.
Other names: c.461G>C, p.Ser154Thr (NM_023073.4); short protein forms S154T.
Identifiers: ClinVar variation 2002829 (VCV002002829.4), dbSNP rs2548924920, ClinGen allele CA359521629.

ClinVar aggregate classification (germline): Uncertain significance (1 of 4 stars; one submission).

Submission:

Labcorp Genetics (formerly Invitae), Labcorp
Classification: Uncertain significance. Last evaluated: 2022-06-08. Review status: criteria provided, single submitter. Criteria: Invitae Variant Classification Sherloc (09022015). Collection method: clinical testing. Allele origin: germline.
Comment: In summary, the available evidence is currently insufficient to determine the role of this variant in disease. Therefore, it has been classified as a Variant of Uncertain Significance. Advanced modeling of protein sequence and biophysical properties (such as structural, functional, and spatial information, amino acid conservation, physicochemical variation, residue mobility, and thermodynamic stability) performed at Invitae indicates that this missense variant is not expected to disrupt CPLANE1 protein function. This variant has not been reported in the literature in individuals affected with CPLANE1-related conditions. This variant is not present in population databases (gnomAD no frequency). This sequence change replaces serine, which is neutral and polar, with threonine, which is neutral and polar, at codon 154 of the CPLANE1 protein (p.Ser154Thr).